The following is an entry in ClinVar:

NM_177438.3(DICER1):c.1427G>A (p.Ser476Asn)

Gene: DICER1 (dicer 1, ribonuclease III; minus strand). Cytogenetic location: 14q32.13.
Variant type: single nucleotide variant.
Coding change: c.1427G>A on transcript NM_177438.3 (MANE Select); coding-DNA position 1427, G replaced by A.
Protein change: p.Ser476Asn; replaces serine 476 with asparagine.
Molecular consequence: missense variant. On other transcripts: 5 prime UTR variant (1), non-coding transcript variant (6).
Genome position (GRCh38, 1-based): chr14:95,117,704, C>T on the plus strand (G>A on the coding strand, the complement: DICER1 is on the minus strand). VCF-style: chr14-95117704-C-T. GRCh37 (hg19) VCF-style: chr14-95584041-C-T.
Other names: c.1427G>A, p.Ser476Asn (NM_001271282.3, NM_001291628.2, NM_001395677.1 and 13 more transcripts); c.1145G>A, p.Ser382Asn (NM_001395686.1); c.1022G>A, p.Ser341Asn (NM_001395687.1, NM_001395688.1, NM_001395689.1 and 3 more transcripts); c.860G>A, p.Ser287Asn (NM_001395691.1); c.-142G>A (NM_001395697.1); short protein forms S287N, S341N, S382N, S476N.
Identifiers: ClinVar variation 2858720 (VCV002858720.3), dbSNP rs1892603157, ClinGen allele CA390885596.

ClinVar aggregate classification (germline): Uncertain significance (1 of 4 stars; one submission).

Conditions:
DICER1-related tumor predisposition. Also called: DICER1-related pleuropulmonary blastoma cancer predisposition syndrome; DICER1 syndrome. Identifiers: Orphanet 284343, MedGen C3839822, MONDO:0100216.

Submission:

Labcorp Genetics (formerly Invitae), Labcorp
Classification: Uncertain significance for DICER1-related tumor predisposition. Last evaluated: 2023-04-24. Review status: criteria provided, single submitter. Criteria: Invitae Variant Classification Sherloc (09022015). Collection method: clinical testing. Allele origin: germline.
Comment: This sequence change replaces serine, which is neutral and polar, with asparagine, which is neutral and polar, at codon 476 of the DICER1 protein (p.Ser476Asn). In summary, the available evidence is currently insufficient to determine the role of this variant in disease. Therefore, it has been classified as a Variant of Uncertain Significance. Advanced modeling of protein sequence and biophysical properties (such as structural, functional, and spatial information, amino acid conservation, physicochemical variation, residue mobility, and thermodynamic stability) performed at Invitae indicates that this missense variant is not expected to disrupt DICER1 protein function. This variant has not been reported in the literature in individuals affected with DICER1-related conditions. This variant is not present in population databases (gnomAD no frequency).